The following is an entry in ClinVar:

ClinVar aggregate classification (germline): Uncertain significance (1 of 4 stars; one submission).

Conditions:
Arginase deficiency. Also called: ARGININEMIA; ARG1 DEFICIENCY; Arginase 1 Deficiency. Identifiers: Orphanet 90, MedGen C0268548, MONDO:0008814, OMIM 207800.

Allele frequency attached by ClinVar (database versions not stated): gnomAD exomes below 0.00001 and 0.00009; gnomAD 0.00003 and 0.00001; 1000 Genomes Project 30x 0.00031; 1000 Genomes Project 0.00040; TOPMed 0.00001; ExAC 0.00002.
gnomAD v4.1: 135 of 1,613,862 alleles (0.0084%); highest among the groups gnomAD compares: East Asian, 0.3%; 1 homozygote.

Submission:

Labcorp Genetics (formerly Invitae), Labcorp
Classification: Uncertain significance for Arginase deficiency. Last evaluated: 2022-03-15. Review status: criteria provided, single submitter. Criteria: Invitae Variant Classification Sherloc (09022015). Collection method: clinical testing. Allele origin: germline.
Comment: This sequence change replaces glutamic acid, which is acidic and polar, with lysine, which is basic and polar, at codon 214 of the ARG1 protein (p.Glu214Lys). This variant is present in population databases (rs200496725, gnomAD 0.01%). This variant has not been reported in the literature in individuals affected with ARG1-related conditions. Algorithms developed to predict the effect of missense changes on protein structure and function (SIFT, PolyPhen-2, Align-GVGD) all suggest that this variant is likely to be tolerated. In summary, the available evidence is currently insufficient to determine the role of this variant in disease. Therefore, it has been classified as a Variant of Uncertain Significance.

NM_000045.4(ARG1):c.640G>A (p.Glu214Lys)

Genes: ARG1 (arginase 1; plus strand), MED23 (mediator complex subunit 23; minus strand). Cytogenetic location: 6q23.2.
Variant type: single nucleotide variant.
Coding change: c.640G>A on transcript NM_000045.4 (MANE Select); coding-DNA position 640, G replaced by A.
Protein change: p.Glu214Lys; replaces glutamic acid 214 with lysine.
Molecular consequence: missense variant. On other transcripts: non-coding transcript variant (1), intron variant (2).
Genome position (GRCh38, 1-based): chr6:131,583,139, G>A. VCF-style: chr6-131583139-G-A. GRCh37 (hg19) VCF-style: chr6-131904279-G-A.
Other names: c.664G>A, p.Glu222Lys (NM_001244438.2); c.385G>A, p.Glu129Lys (NM_001369020.1); c.4077+4570C>T (NM_001270521.2); c.4095+4570C>T (NM_015979.4); short protein forms E214K, E222K, E129K.
Identifiers: ClinVar variation 1447349 (VCV001447349.4), dbSNP rs200496725, ClinGen allele CA3999325.